The following is an entry in ClinVar:

ClinVar aggregate classification (germline): Uncertain significance. Review status: criteria provided, multiple submitters, no conflicts (2 of 4 stars). 2 submissions from 2 submitters: Uncertain significance (2). Last evaluated 2025-11-07.

Conditions:
Hereditary cancer-predisposing syndrome. Also called: Neoplastic Syndromes, Hereditary; Hereditary Cancer Syndrome; Tumor predisposition; Hereditary neoplastic syndrome. Identifiers: Orphanet 140162, MedGen C0027672, MeSH D009386, MONDO:0015356.
Hereditary diffuse gastric adenocarcinoma (HDGC). Also called: DIFFUSE GASTRIC AND LOBULAR BREAST CANCER SYNDROME. Identifiers: Orphanet 26106, MedGen C1708349, MONDO:0007648, OMIM 137215.

Allele frequency attached by ClinVar (database versions not stated): gnomAD 0.00001; ExAC 0.00002.
gnomAD v4.1: 2 of 1,614,064 alleles (0.00012%); highest among the groups gnomAD compares: Non-Finnish European, 0.00017%; no homozygotes.

Submissions (2):

Ambry Genetics
Classification: Uncertain significance for Hereditary cancer-predisposing syndrome. Last evaluated: 2025-11-07. Review status: criteria provided, single submitter. Criteria: Ambry Variant Classification Scheme 2023. Collection method: clinical testing. Allele origin: germline.
Comment: The p.F171I variant (also known as c.511T>A), located in coding exon 4 of the CDH1 gene, results from a T to A substitution at nucleotide position 511. The phenylalanine at codon 171 is replaced by isoleucine, an amino acid with highly similar properties. This amino acid position is conserved. In addition, the in silico prediction for this alteration is inconclusive. Based on the available evidence, the clinical significance of this variant remains unclear.

Labcorp Genetics (formerly Invitae), Labcorp
Classification: Uncertain significance for Hereditary diffuse gastric adenocarcinoma. Last evaluated: 2024-08-12. Review status: criteria provided, single submitter. Criteria: Invitae Variant Classification Sherloc (09022015). Collection method: clinical testing. Allele origin: germline.
Comment: This sequence change replaces phenylalanine, which is neutral and non-polar, with isoleucine, which is neutral and non-polar, at codon 171 of the CDH1 protein (p.Phe171Ile). This variant is present in population databases (rs762388314, gnomAD 0.0009%). This variant has not been reported in the literature in individuals affected with CDH1-related conditions. ClinVar contains an entry for this variant (Variation ID: 2567600). An algorithm developed to predict the effect of missense changes on protein structure and function (PolyPhen-2) suggests that this variant is likely to be disruptive. In summary, the available evidence is currently insufficient to determine the role of this variant in disease. Therefore, it has been classified as a Variant of Uncertain Significance.

NM_004360.5(CDH1):c.511T>A (p.Phe171Ile)

Gene: CDH1 (cadherin 1; plus strand). Cytogenetic location: 16q22.1.
Variant type: single nucleotide variant.
Coding change: c.511T>A on transcript NM_004360.5 (MANE Select); coding-DNA position 511, T replaced by A.
Protein change: p.Phe171Ile; replaces phenylalanine 171 with isoleucine.
Molecular consequence: missense variant. On other transcripts: 5 prime UTR variant (2).
Genome position (GRCh38, 1-based): chr16:68,808,547, T>A. VCF-style: chr16-68808547-T-A. GRCh37 (hg19) VCF-style: chr16-68842450-T-A.
Other names: c.511T>A, p.Phe171Ile (NM_001317184.2); c.-1105T>A (NM_001317185.2); c.-1309T>A (NM_001317186.2); short protein forms F171I.
Identifiers: ClinVar variation 2567600 (VCV002567600.5), dbSNP rs762388314, ClinGen allele CA8129870.